The following is an entry in ClinVar:

NM_000215.4(JAK3):c.829G>A (p.Gly277Ser)

Gene: JAK3 (Janus kinase 3; minus strand). Cytogenetic location: 19p13.11.
Variant type: single nucleotide variant.
Coding change: c.829G>A on transcript NM_000215.4 (MANE Select); coding-DNA position 829, G replaced by A.
Protein change: p.Gly277Ser; replaces glycine 277 with serine.
Molecular consequence: missense variant.
Genome position (GRCh38, 1-based): chr19:17,842,348, C>T on the plus strand (G>A on the coding strand, the complement: JAK3 is on the minus strand). VCF-style: chr19-17842348-C-T. GRCh37 (hg19) VCF-style: chr19-17953157-C-T.
Other names: short protein forms G277S.
Identifiers: ClinVar variation 1979153 (VCV001979153.1), dbSNP rs1263464270, ClinGen allele CA404772346.

ClinVar aggregate classification (germline): Uncertain significance (1 of 4 stars; one submission).

Conditions:
T-B+ severe combined immunodeficiency due to JAK3 deficiency. Also called: SCID, autosomal recessive, T-negative/B-positive type; SCID, T CELL-NEGATIVE, B CELL-POSITIVE, NK CELL-NEGATIVE. Identifiers: Orphanet 35078, MedGen C1833275, MONDO:0010938, OMIM 600802.

gnomAD v4.1: 4 of 1,589,916 alleles (0.00025%); highest among the groups gnomAD compares: East Asian, 0.0023%; no homozygotes.

Submission:

Labcorp Genetics (formerly Invitae), Labcorp
Classification: Uncertain significance for T-B+ severe combined immunodeficiency due to JAK3 deficiency. Last evaluated: 2022-10-27. Review status: criteria provided, single submitter. Criteria: Invitae Variant Classification Sherloc (09022015). Collection method: clinical testing. Allele origin: germline.
Comment: This sequence change replaces glycine, which is neutral and non-polar, with serine, which is neutral and polar, at codon 277 of the JAK3 protein (p.Gly277Ser). This variant is not present in population databases (gnomAD no frequency). This variant has not been reported in the literature in individuals affected with JAK3-related conditions. Advanced modeling of protein sequence and biophysical properties (such as structural, functional, and spatial information, amino acid conservation, physicochemical variation, residue mobility, and thermodynamic stability) performed at Invitae indicates that this missense variant is not expected to disrupt JAK3 protein function. In summary, the available evidence is currently insufficient to determine the role of this variant in disease. Therefore, it has been classified as a Variant of Uncertain Significance.